The following is an entry in ClinVar:

ClinVar aggregate classification (germline): Likely benign. Review status: criteria provided, multiple submitters, no conflicts (2 of 4 stars). 3 submissions from 3 submitters: Likely benign (2). 1 of the submissions does not count toward it. Last evaluated 2024-06-16.

Conditions:
Achondrogenesis, type IA (ACG1A). Identifiers: Orphanet 932, Orphanet 93299, MedGen C0265273, MONDO:0008701, OMIM 200600.
TRIP11-related disorder. Also called: TRIP11-Related Disorders; TRIP11-related condition.

Allele frequency attached by ClinVar (database versions not stated): gnomAD exomes 0.00003 and 0.00010; ExAC 0.00015; gnomAD 0.00042 and 0.00047; TOPMed 0.00056; ESP Exome Variant Server 0.00062.
gnomAD v4.1: 122 of 1,614,072 alleles (0.0076%); highest among the groups gnomAD compares: African/African-American, 0.13%; no homozygotes.

Submissions (3):

Labcorp Genetics (formerly Invitae), Labcorp
Classification: Likely benign for Achondrogenesis, type IA. Last evaluated: 2024-06-16. Review status: criteria provided, single submitter. Criteria: Invitae Variant Classification Sherloc (09022015). Collection method: clinical testing. Allele origin: germline.

GeneDx
Classification: Likely benign. Last evaluated: 2016-05-05. Review status: criteria provided, single submitter. Criteria: GeneDx Variant Classification (06012015). Collection method: clinical testing. Allele origin: germline. Affected: yes.
Comment: This variant is considered likely benign or benign based on one or more of the following criteria: it is a conservative change, it occurs at a poorly conserved position in the protein, it is predicted to be benign by multiple in silico algorithms, and/or has population frequency not consistent with disease.

PreventionGenetics, part of Exact Sciences
Classification: Likely benign for TRIP11-related condition. Last evaluated: 2023-08-03. Review status: no assertion criteria provided. Collection method: clinical testing. Allele origin: germline. Not counted in ClinVar's aggregate classification.
Comment: This variant is classified as likely benign based on ACMG/AMP sequence variant interpretation guidelines (Richards et al. 2015 PMID: 25741868, with internal and published modifications).

NM_004239.4(TRIP11):c.3264A>G (p.Gln1088=)

Gene: TRIP11 (thyroid hormone receptor interactor 11; minus strand). Cytogenetic location: 14q32.12.
Variant type: single nucleotide variant.
Coding change: c.3264A>G on transcript NM_004239.4 (MANE Select); coding-DNA position 3264, A replaced by G.
Protein change: p.Gln1088=; no amino-acid change (glutamine 1088 retained).
Molecular consequence: synonymous variant.
Genome position (GRCh38, 1-based): chr14:92,004,712, T>C on the plus strand (A>G on the coding strand, the complement: TRIP11 is on the minus strand). VCF-style: chr14-92004712-T-C. GRCh37 (hg19) VCF-style: chr14-92471056-T-C.
Other names: c.3261A>G, p.Gln1087= (NM_001321851.1).
Identifiers: ClinVar variation 385960 (VCV000385960.10), dbSNP rs138702943, ClinGen allele CA7313657.